The following is an entry in ClinVar:

NM_020631.4(PLEKHG5):c.*1440C>T

Genes: PLEKHG5 (pleckstrin homology and RhoGEF domain containing G5; minus strand), TNFRSF25 (TNF receptor superfamily member 25; minus strand). Cytogenetic location: 1p36.31.
Variant type: single nucleotide variant.
Coding change: c.*1440C>T on transcript NM_020631.4; 1440 bases downstream of the stop codon, C replaced by T.
Molecular consequence: 5 prime UTR variant (on NM_003790.3).
Genome position (GRCh38, 1-based): chr1:6,466,123, G>A on the plus strand (C>T on the coding strand, the complement: PLEKHG5 is on the minus strand). VCF-style: chr1-6466123-G-A. GRCh37 (hg19) VCF-style: chr1-6526183-G-A.
Other names: c.-16C>T (NM_001039664.2, NM_003790.3, NM_148965.2 and 3 more transcripts).
Identifiers: ClinVar variation 297904 (VCV000297904.8), dbSNP rs3007417, ClinGen allele CA561017.

ClinVar aggregate classification (germline): Benign. Review status: criteria provided, multiple submitters, no conflicts (2 of 4 stars). 2 submissions from 2 submitters: Benign (2). Last evaluated 2018-01-13.

Conditions:
Neuronopathy, distal hereditary motor, autosomal recessive 4. Also called: Autosomal recessive lower motor neuron disease with childhood onset; NEUROPATHY, DISTAL HEREDITARY MOTOR, AUTOSOMAL RECESSIVE 4. Identifiers: Orphanet 206580, MedGen C1970211, MONDO:0012608, OMIM 611067.

Allele frequency attached by ClinVar (database versions not stated): TOPMed 0.20544; 1000 Genomes Project 30x 0.21440; gnomAD exomes 0.07574 and 0.07806; ESP Exome Variant Server 0.16589; 1000 Genomes Project 0.20228; ExAC 0.16938; gnomAD 0.18960 and 0.19870.
gnomAD v4.1: 133,005 of 1,513,620 alleles (8.8%); highest among the groups gnomAD compares: African/African-American, 51%; 12,567 homozygotes.

Submissions (2):

Illumina Laboratory Services, Illumina
Classification: Benign for Neuronopathy, distal hereditary motor, autosomal recessive 4. Last evaluated: 2018-01-13. Review status: criteria provided, single submitter. Criteria: ICSL Variant Classification Criteria 13 December 2019. Collection method: clinical testing. Allele origin: germline.
Comment: This variant was observed in the ICSL laboratory as part of a predisposition screen in an ostensibly healthy population. It had not been previously curated by ICSL or reported in the Human Gene Mutation Database (HGMD: prior to June 1st, 2018), and was therefore a candidate for classification through an automated scoring system. Utilizing variant allele frequency, disease prevalence and penetrance estimates, and inheritance mode, an automated score was calculated to assess if this variant is too frequent to cause the disease. Based on the score and internal cut-off values, a variant classified as benign is not then subjected to further curation. The score for this variant resulted in a classification of benign for this disease.

Breakthrough Genomics
Classification: Benign. Review status: criteria provided, single submitter. Criteria: ACMG Guidelines, 2015. Collection method: not provided. Allele origin: germline. Inheritance: Unknown mechanism. Affected: yes.